The following is an entry in ClinVar:

ClinVar aggregate classification (germline): Likely pathogenic (1 of 4 stars; one submission).

Conditions:
Bloom syndrome (BLM). Also called: Bloom-Torre-Machacek syndrome. Identifiers: Orphanet 125, MedGen C0005859, MONDO:0008876, OMIM 210900.

Submission:

Labcorp Genetics (formerly Invitae), Labcorp
Classification: Likely pathogenic for Bloom syndrome. Last evaluated: 2022-09-25. Review status: criteria provided, single submitter. Criteria: Invitae Variant Classification Sherloc (09022015). Collection method: clinical testing. Allele origin: germline.
Comment: This variant is a gross deletion of the genomic region encompassing exon(s) 20-22 of the BLM gene, which includes the termination codon. This deletion extends beyond the assayed region for this gene and therefore may encompass additional genes. While this deletion is not anticipated to lead to nonsense mediated decay, it is expected to alter mRNA translation or result in a truncated protein product. A similar copy number variant has been observed in individual(s) with Bloom syndrome (PMID: 17407155). This variant disrupts a region of the BLM protein in which other variant(s) (p.Ile1319Asnfs*87) have been determined to be pathogenic (Invitae). This suggests that this is a clinically significant region of the protein, and that variants that disrupt it are likely to be disease-causing. In summary, the currently available evidence indicates that the variant is pathogenic, but additional data are needed to prove that conclusively. Therefore, this variant has been classified as Likely Pathogenic.

Literature cited by the submitters: PubMed 17407155.

NC_000015.9:g.(?_91352357)_(91358509_?)del

Gene: BLM (BLM RecQ like helicase; plus strand). Cytogenetic location: 15q26.1.
Variant type: Deletion.
Identifiers: ClinVar variation 1068324 (VCV001068324.8).